The following is an entry in ClinVar:

ClinVar aggregate classification (germline): Uncertain significance (1 of 4 stars; one submission).

Conditions:
Charcot-Marie-Tooth disease type 4A. Also called: Charcot-Marie-Tooth disease, demyelinating, autosomal recessive, type 4a. Identifiers: Orphanet 99948, MedGen C1859198, MONDO:0008961, OMIM 214400.

Submission:

Labcorp Genetics (formerly Invitae), Labcorp
Classification: Uncertain significance for Charcot-Marie-Tooth disease type 4A. Last evaluated: 2025-03-25. Review status: criteria provided, single submitter. Criteria: Invitae Variant Classification Sherloc (09022015). Collection method: clinical testing. Allele origin: germline.
Comment: This sequence change affects an acceptor splice site in intron 5 of the GDAP1 gene. While this variant is not anticipated to result in nonsense mediated decay, it likely alters RNA splicing and results in a disrupted protein product. This variant is not present in population databases (gnomAD no frequency). Disruption of this splice site has been observed in individual(s) with clinical features of Charcot-Marie-Tooth disease (internal data). In at least one individual the data is consistent with being in trans (on the opposite chromosome) from a pathogenic variant. ClinVar contains an entry for this variant (Variation ID: 858684). Variants that disrupt the consensus splice site are a relatively common cause of aberrant splicing (PMID: 17576681, 9536098). Algorithms developed to predict the effect of sequence changes on RNA splicing suggest that this variant may disrupt the consensus splice site. In summary, the available evidence is currently insufficient to determine the role of this variant in disease. Therefore, it has been classified as a Variant of Uncertain Significance.

Literature cited by the submitters: PubMed 17576681; PubMed 9536098.

NM_018972.4(GDAP1):c.695-1G>A

Gene: GDAP1 (ganglioside induced differentiation associated protein 1; plus strand). Cytogenetic location: 8q21.11.
Variant type: single nucleotide variant.
Coding change: c.695-1G>A on transcript NM_018972.4 (MANE Select); the canonical splice acceptor site of the intron before coding-DNA position 695, G replaced by A.
Molecular consequence: splice acceptor variant. On other transcripts: intron variant (1).
Genome position (GRCh38, 1-based): chr8:74,363,984, G>A. VCF-style: chr8-74363984-G-A. GRCh37 (hg19) VCF-style: chr8-75276219-G-A.
Other names: c.694+931G>A (NM_001362931.2); c.521-1G>A (NM_001362930.2); c.368-1G>A (NM_001362929.2, NM_001362932.2); c.491-1G>A (NM_001040875.4).
Identifiers: ClinVar variation 858684 (VCV000858684.8), dbSNP rs1809496317, ClinGen allele CA371549789.